The following is an entry in ClinVar:

NM_020297.4(ABCC9):c.3982G>A (p.Val1328Ile)

Genes: ABCC9 (ATP binding cassette subfamily C member 9; minus strand), KCNJ8-AS1 (KCNJ8 antisense RNA 1; plus strand). Cytogenetic location: 12p12.1.
Variant type: single nucleotide variant.
Coding change: c.3982G>A on transcript NM_020297.4 (MANE Select); coding-DNA position 3982, G replaced by A.
Protein change: p.Val1328Ile; replaces valine 1328 with isoleucine.
Molecular consequence: missense variant.
Genome position (GRCh38, 1-based): chr12:21,815,804, C>T on the plus strand (G>A on the coding strand, the complement: ABCC9 is on the minus strand). VCF-style: chr12-21815804-C-T. GRCh37 (hg19) VCF-style: chr12-21968738-C-T.
Other names: c.3982G>A, p.Val1328Ile (NM_001377273.1, NM_005691.4); c.3115G>A, p.Val1039Ile (NM_001377274.1); short protein forms V1328I, V1039I.
Identifiers: ClinVar variation 410819 (VCV000410819.9), dbSNP rs1060503053, ClinGen allele CA16613693.

ClinVar aggregate classification (germline): Uncertain significance (1 of 4 stars; one submission).

Conditions:
Dilated cardiomyopathy 1O (CMD1O). Also called: CARDIOMYOPATHY, DILATED, WITH VENTRICULAR TACHYCARDIA. Identifiers: Orphanet 154, MedGen C1837839, MONDO:0012062, OMIM 608569.

Allele frequency attached by ClinVar (database versions not stated): gnomAD exomes below 0.00001.
gnomAD v4.1: 2 of 1,613,334 alleles (0.00012%); highest among the groups gnomAD compares: Non-Finnish European, 0.00017%; no homozygotes.

Submission:

Labcorp Genetics (formerly Invitae), Labcorp
Classification: Uncertain significance for Dilated cardiomyopathy 1O. Last evaluated: 2016-08-15. Review status: criteria provided, single submitter. Criteria: Invitae Variant Classification Sherloc (09022015). Collection method: clinical testing. Allele origin: germline.
Comment: This sequence change replaces valine with isoleucine at codon 1328 of the ABCC9 protein (p.Val1328Ile). The valine residue is highly conserved and there is a small physicochemical difference between valine and isoleucine. This variant is not present in population databases (ExAC no frequency) and has not been reported in the literature in individuals with an ABCC9-related disease. In summary, this variant is a novel missense change with uncertain impact on protein function. It has been classified as a Variant of Uncertain Significance. Algorithms developed to predict the effect of missense changes on protein structure and function do not agree on the potential impact of this missense change (SIFT: "Deleterious"; PolyPhen-2: "Benign"; Align-GVGD: "Class C0").